The following is an entry in ClinVar:

NM_000460.4(THPO):c.818A>G (p.Asp273Gly)

Gene: THPO (thrombopoietin; minus strand). Cytogenetic location: 3q27.1.
Variant type: single nucleotide variant.
Coding change: c.818A>G on transcript NM_000460.4 (MANE Select); coding-DNA position 818, A replaced by G.
Protein change: p.Asp273Gly; replaces aspartic acid 273 with glycine.
Molecular consequence: missense variant. On other transcripts: synonymous variant (4).
Genome position (GRCh38, 1-based): chr3:184,372,757, T>C on the plus strand (A>G on the coding strand, the complement: THPO is on the minus strand). VCF-style: chr3-184372757-T-C. GRCh37 (hg19) VCF-style: chr3-184090545-T-C.
Other names: c.806A>G, p.Asp269Gly (NM_001177597.2, NM_001290022.1); c.801A>G, p.Gly267= (NM_001177598.2, NM_001290026.1); c.702A>G, p.Gly234= (NM_001289997.1, NM_001290027.1); c.818A>G, p.Asp273Gly (NM_001289998.1, NM_001290028.1); c.1238A>G, p.Asp413Gly (NM_001290003.1); short protein forms D269G, D273G, D413G.
Identifiers: ClinVar variation 3606775 (VCV003606775.2).

ClinVar aggregate classification (germline): Uncertain significance (1 of 4 stars; one submission).

gnomAD v4.1: 12 of 1,613,706 alleles (0.00074%); highest among the groups gnomAD compares: African/African-American, 0.015%; no homozygotes.

Submission:

Labcorp Genetics (formerly Invitae), Labcorp
Classification: Uncertain significance. Last evaluated: 2025-01-06. Review status: criteria provided, single submitter. Criteria: Invitae Variant Classification Sherloc (09022015). Collection method: clinical testing. Allele origin: germline.
Comment: This sequence change replaces aspartic acid, which is acidic and polar, with glycine, which is neutral and non-polar, at codon 273 of the THPO protein (p.Asp273Gly). This variant is present in population databases (no rsID available, gnomAD 0.01%). This variant has not been reported in the literature in individuals affected with THPO-related conditions. Invitae Evidence Modeling of protein sequence and biophysical properties (such as structural, functional, and spatial information, amino acid conservation, physicochemical variation, residue mobility, and thermodynamic stability) indicates that this missense variant is not expected to disrupt THPO protein function with a negative predictive value of 80%. In summary, the available evidence is currently insufficient to determine the role of this variant in disease. Therefore, it has been classified as a Variant of Uncertain Significance.